The following is an entry in ClinVar:

NC_000008.10:g.(?_120744164)_(120844804_?)dup

Gene: TAF2 (TATA-box binding protein associated factor 2; minus strand). Cytogenetic location: 8q24.12.
Variant type: Duplication.
Identifiers: ClinVar variation 2424650 (VCV002424650.3).

ClinVar aggregate classification (germline): Uncertain significance (1 of 4 stars; one submission).

Submission:

Labcorp Genetics (formerly Invitae), Labcorp
Classification: Uncertain significance. Last evaluated: 2022-03-01. Review status: criteria provided, single submitter. Criteria: Invitae Variant Classification Sherloc (09022015). Collection method: clinical testing. Allele origin: germline.
Comment: A copy number gain of the genomic region encompassing the full coding sequence of the TAF2 gene has been identified. The boundaries of this event are unknown as they extend beyond the assayed region for this gene and therefore may encompass additional genes. As the precise location of this event is unknown, it may be in tandem or it may be located elsewhere in the genome. This variant has not been reported in the literature in individuals affected with TAF2-related conditions. In summary, the available evidence is currently insufficient to determine the role of this variant in disease. Therefore, it has been classified as a Variant of Uncertain Significance.